The following is an entry in ClinVar:

NM_003924.4(PHOX2B):c.216C>G (p.Asp72Glu)

Genes: PHOX2B (paired like homeobox 2B; minus strand), PHOX2B-AS1 (PHOX2B antisense RNA 1; plus strand). Cytogenetic location: 4p13.
Variant type: single nucleotide variant.
Coding change: c.216C>G on transcript NM_003924.4 (MANE Select); coding-DNA position 216, C replaced by G.
Protein change: p.Asp72Glu; replaces aspartic acid 72 with glutamic acid.
Molecular consequence: missense variant.
Genome position (GRCh38, 1-based): chr4:41,748,395, G>C on the plus strand (C>G on the coding strand, the complement: PHOX2B is on the minus strand). VCF-style: chr4-41748395-G-C. GRCh37 (hg19) VCF-style: chr4-41750412-G-C.
Other names: short protein forms D72E.
Identifiers: ClinVar variation 1021875 (VCV001021875.11), dbSNP rs1733980273, ClinGen allele CA356740833.

ClinVar aggregate classification (germline): Uncertain significance. Review status: criteria provided, multiple submitters, no conflicts (2 of 4 stars). 2 submissions from 2 submitters: Uncertain significance (2). Last evaluated 2021-06-11.

Conditions:
Hereditary cancer-predisposing syndrome. Also called: Hereditary Cancer Syndrome; Neoplastic Syndromes, Hereditary; Tumor predisposition; Hereditary neoplastic syndrome. Identifiers: Orphanet 140162, MedGen C0027672, MeSH D009386, MONDO:0015356.
Haddad syndrome (OHD). Also called: Ondine-Hirschsprung disease. Identifiers: Orphanet 99803, MedGen C1859049, MONDO:0020493.

Allele frequency attached by ClinVar (database versions not stated): TOPMed below 0.00001; gnomAD exomes 0.00001.

Submissions (2):

Labcorp Genetics (formerly Invitae), Labcorp
Classification: Uncertain significance for Haddad syndrome. Last evaluated: 2021-06-11. Review status: criteria provided, single submitter. Criteria: Invitae Variant Classification Sherloc (09022015). Collection method: clinical testing. Allele origin: germline.
Comment: This sequence change replaces aspartic acid with glutamic acid at codon 72 of the PHOX2B protein (p.Asp72Glu). The aspartic acid residue is highly conserved and there is a small physicochemical difference between aspartic acid and glutamic acid. This variant is not present in population databases (ExAC no frequency). This variant has not been reported in the literature in individuals with PHOX2B-related conditions. Algorithms developed to predict the effect of missense changes on protein structure and function (SIFT, PolyPhen-2, Align-GVGD) all suggest that this variant is likely to be disruptive, but these predictions have not been confirmed by published functional studies and their clinical significance is uncertain. In summary, the available evidence is currently insufficient to determine the role of this variant in disease. Therefore, it has been classified as a Variant of Uncertain Significance.

Ambry Genetics
Classification: Uncertain significance for Hereditary cancer-predisposing syndrome. Last evaluated: 2020-09-10. Review status: criteria provided, single submitter. Criteria: Ambry Variant Classification Scheme 2023. Collection method: clinical testing. Allele origin: germline.
Comment: The p.D72E variant (also known as c.216C>G), located in coding exon 1 of the PHOX2B gene, results from a C to G substitution at nucleotide position 216. The aspartic acid at codon 72 is replaced by glutamic acid, an amino acid with highly similar properties. This amino acid position is highly conserved in available vertebrate species. In addition, the in silico prediction for this alteration is inconclusive. Since supporting evidence is limited at this time, the clinical significance of this alteration remains unclear.